The following is an entry in ClinVar:

NM_022765.4(MICAL1):c.2504G>T (p.Arg835Leu)

Gene: MICAL1 (microtubule associated monooxygenase, calponin and LIM domain containing 1; minus strand). Cytogenetic location: 6q21.
Variant type: single nucleotide variant.
Coding change: c.2504G>T on transcript NM_022765.4 (MANE Select); coding-DNA position 2504, G replaced by T.
Protein change: p.Arg835Leu; replaces arginine 835 with leucine.
Molecular consequence: missense variant.
Genome position (GRCh38, 1-based): chr6:109,446,213, C>A on the plus strand (G>T on the coding strand, the complement: MICAL1 is on the minus strand). VCF-style: chr6-109446213-C-A. GRCh37 (hg19) VCF-style: chr6-109767416-C-A.
Other names: c.2246G>T, p.Arg749Leu (NM_001159291.2); c.2561G>T, p.Arg854Leu (NM_001286613.2); short protein forms R749L, R835L, R854L.
Identifiers: ClinVar variation 3016314 (VCV003016314.3), dbSNP rs762596485, ClinGen allele CA365223316.

ClinVar aggregate classification (germline): Uncertain significance (1 of 4 stars; one submission).

Allele frequency attached by ClinVar (database versions not stated): TOPMed 0.00001.
gnomAD v4.1: 15 of 1,601,438 alleles (0.00094%); highest among the groups gnomAD compares: African/African-American, 0.0013%; no homozygotes.

Submission:

Labcorp Genetics (formerly Invitae), Labcorp
Classification: Uncertain significance. Last evaluated: 2025-02-03. Review status: criteria provided, single submitter. Criteria: Invitae Variant Classification Sherloc (09022015). Collection method: clinical testing. Allele origin: germline.
Comment: This sequence change replaces arginine, which is basic and polar, with leucine, which is neutral and non-polar, at codon 854 of the MICAL1 protein (p.Arg854Leu). This variant is not present in population databases (gnomAD no frequency). This variant has not been reported in the literature in individuals affected with MICAL1-related conditions. ClinVar contains an entry for this variant (Variation ID: 3016314). An algorithm developed to predict the effect of missense changes on protein structure and function (PolyPhen-2) suggests that this variant is likely to be disruptive. In summary, the available evidence is currently insufficient to determine the role of this variant in disease. Therefore, it has been classified as a Variant of Uncertain Significance.